The following is an entry in ClinVar:

ClinVar aggregate classification (germline): Uncertain significance (1 of 4 stars; one submission).

Conditions:
Curry-Hall syndrome (WAD). Also called: WEYERS ACRODENTAL DYSOSTOSIS. Identifiers: Orphanet 952, MedGen C0457013, MONDO:0008673, OMIM 193530.
Ellis-van Creveld syndrome (EVC). Also called: EVC-Related Ellis-van Creveld Syndrome; EVC2-Related Ellis-van Creveld Syndrome; MESOECTODERMAL DYSPLASIA; Chondroectodermal dysplasia. Identifiers: Orphanet 289, MedGen C0013903, MONDO:0009162, OMIM 225500.

gnomAD v4.1: 5 of 1,614,072 alleles (0.00031%); highest among the groups gnomAD compares: Non-Finnish European, 0.00042%; no homozygotes.

Submission:

Labcorp Genetics (formerly Invitae), Labcorp
Classification: Uncertain significance for Curry-Hall syndrome; Ellis-van Creveld syndrome. Last evaluated: 2024-07-23. Review status: criteria provided, single submitter. Criteria: Invitae Variant Classification Sherloc (09022015). Collection method: clinical testing. Allele origin: germline.
Comment: This sequence change replaces serine, which is neutral and polar, with leucine, which is neutral and non-polar, at codon 757 of the EVC2 protein (p.Ser757Leu). This variant is not present in population databases (gnomAD no frequency). This variant has not been reported in the literature in individuals affected with EVC2-related conditions. An algorithm developed to predict the effect of missense changes on protein structure and function (PolyPhen-2) suggests that this variant is likely to be tolerated. In summary, the available evidence is currently insufficient to determine the role of this variant in disease. Therefore, it has been classified as a Variant of Uncertain Significance.

NM_147127.5(EVC2):c.2270C>T (p.Ser757Leu)

Gene: EVC2 (EvC ciliary complex subunit 2; minus strand). Cytogenetic location: 4p16.2.
Variant type: single nucleotide variant.
Coding change: c.2270C>T on transcript NM_147127.5 (MANE Select); coding-DNA position 2270, C replaced by T.
Protein change: p.Ser757Leu; replaces serine 757 with leucine.
Molecular consequence: missense variant.
Genome position (GRCh38, 1-based): chr4:5,622,768, G>A on the plus strand (C>T on the coding strand, the complement: EVC2 is on the minus strand). VCF-style: chr4-5622768-G-A. GRCh37 (hg19) VCF-style: chr4-5624495-G-A.
Other names: c.2030C>T, p.Ser677Leu (NM_001166136.2); short protein forms S677L, S757L.
Identifiers: ClinVar variation 3760795 (VCV003760795.2).